The following is an entry in ClinVar:

ClinVar aggregate classification (germline): Uncertain significance. Review status: criteria provided, multiple submitters, no conflicts (2 of 4 stars). 2 submissions from 2 submitters: Uncertain significance (2). Last evaluated 2024-06-09.

Conditions:
Cardiovascular phenotype. Identifiers: MedGen CN230736.
Long QT syndrome 10 (LQT10). Identifiers: Orphanet 101016, Orphanet 768, MedGen C2678484, MONDO:0012737, OMIM 611819.

Allele frequency attached by ClinVar (database versions not stated): TOPMed below 0.00001.

Submissions (2):

Ambry Genetics
Classification: Uncertain significance for Cardiovascular phenotype. Last evaluated: 2024-06-09. Review status: criteria provided, single submitter. Criteria: Ambry Variant Classification Scheme 2023. Collection method: clinical testing. Allele origin: germline.
Comment: The p.S89C variant (also known as c.266C>G), located in coding exon 3 of the SCN4B gene, results from a C to G substitution at nucleotide position 266. The serine at codon 89 is replaced by cysteine, an amino acid with dissimilar properties. This amino acid position is conserved. In addition, this alteration is predicted to be tolerated by in silico analysis. Based on the available evidence, the clinical significance of this variant remains unclear.

Labcorp Genetics (formerly Invitae), Labcorp
Classification: Uncertain significance for Long QT syndrome 10. Last evaluated: 2020-06-16. Review status: criteria provided, single submitter. Criteria: Invitae Variant Classification Sherloc (09022015). Collection method: clinical testing. Allele origin: germline.
Comment: In summary, the available evidence is currently insufficient to determine the role of this variant in disease. Therefore, it has been classified as a Variant of Uncertain Significance. Algorithms developed to predict the effect of missense changes on protein structure and function are either unavailable or do not agree on the potential impact of this missense change (SIFT: "Tolerated"; PolyPhen-2: "Probably Damaging"; Align-GVGD: "Class C15"). This variant has not been reported in the literature in individuals with SCN4B-related conditions. This variant is not present in population databases (ExAC no frequency). This sequence change replaces serine with cysteine at codon 89 of the SCN4B protein (p.Ser89Cys). The serine residue is highly conserved and there is a moderate physicochemical difference between serine and cysteine.

NM_174934.4(SCN4B):c.266C>G (p.Ser89Cys)

Genes: SCN4B (sodium voltage-gated channel beta subunit 4; minus strand), LOC126861356 (BRD4-independent group 4 enhancer GRCh37_chr11:118014519-118015718; plus strand). Cytogenetic location: 11q23.3.
Variant type: single nucleotide variant.
Coding change: c.266C>G on transcript NM_174934.4 (MANE Select); coding-DNA position 266, C replaced by G.
Protein change: p.Ser89Cys; replaces serine 89 with cysteine.
Molecular consequence: missense variant. On other transcripts: 5 prime UTR variant (1), non-coding transcript variant (1), intron variant (1).
Genome position (GRCh38, 1-based): chr11:118,144,030, G>C on the plus strand (C>G on the coding strand, the complement: SCN4B is on the minus strand). VCF-style: chr11-118144030-G-C. GRCh37 (hg19) VCF-style: chr11-118014745-G-C.
Other names: c.266C>G (NM_174934.3); c.-65C>G (NM_001142349.2); c.62-2694C>G (NM_001142348.2); short protein forms S89C.
Identifiers: ClinVar variation 1057377 (VCV001057377.10), dbSNP rs1948135887, ClinGen allele CA382778398.